The following is an entry in ClinVar:

ClinVar aggregate classification (germline): Pathogenic (0 of 4 stars; one submission).

Conditions:
PKD2-related disorder. Also called: PKD2-related condition.

Submission:

PreventionGenetics, part of Exact Sciences
Classification: Pathogenic for PKD2-related condition. Last evaluated: 2024-07-15. Review status: no assertion criteria provided. Collection method: clinical testing. Allele origin: germline.
Comment: The PKD2 c.432C>A variant is predicted to result in premature protein termination (p.Tyr144*). To our knowledge, this variant has not been reported in the literature or in a large population database, indicating this variant is rare. Of note, the same premature protein termination, caused by a different nucleotide change c.432C>G, has been reported in an individual with autosomal dominant polycystic kidney disease (ADPKD) (Supplemental table 3 of Cornec-Le Gall et al. 2016. PubMed ID: 26150605). Nonsense variants in PKD2 are expected to be pathogenic. This variant is interpreted as pathogenic.

NM_000297.4(PKD2):c.432C>A (p.Tyr144Ter)

Genes: PKD2 (polycystin 2, transient receptor potential cation channel; plus strand), LOC129992813 (ATAC-STARR-seq lymphoblastoid silent region 15559; plus strand). Cytogenetic location: 4q22.1.
Variant type: single nucleotide variant.
Coding change: c.432C>A on transcript NM_000297.4 (MANE Select); coding-DNA position 432, C replaced by A.
Protein change: p.Tyr144Ter; replaces tyrosine 144 with a stop codon.
Molecular consequence: nonsense. On other transcripts: non-coding transcript variant (1).
Genome position (GRCh38, 1-based): chr4:88,008,165, C>A. VCF-style: chr4-88008165-C-A. GRCh37 (hg19) VCF-style: chr4-88929317-C-A.
Other names: short protein forms Y144*.
Identifiers: ClinVar variation 3347727 (VCV003347727.1).